The following is an entry in ClinVar:

NM_005188.4(CBL):c.2702C>T (p.Pro901Leu)

Gene: CBL (Cbl proto-oncogene; plus strand). Cytogenetic location: 11q23.3.
Variant type: single nucleotide variant.
Coding change: c.2702C>T on transcript NM_005188.4 (MANE Select); coding-DNA position 2702, C replaced by T.
Protein change: p.Pro901Leu; replaces proline 901 with leucine.
Molecular consequence: missense variant.
Genome position (GRCh38, 1-based): chr11:119,299,762, C>T. VCF-style: chr11-119299762-C-T. GRCh37 (hg19) VCF-style: chr11-119170472-C-T.
Other names: short protein forms P901L.
Identifiers: ClinVar variation 3996097 (VCV003996097.1).
Genomic context (GRCh38, chr11:119,299,762, plus strand): 5'-CCCAGAACAACATCGAGATGGCCAAAAACATCCTCCGGGAATTTGTTTCCATTTCTTCTC[C>T]TGCCCATGTAGCTACCTAGCACACCATCTCCCTGCTGCAGGTTTAGAGGACCAGTGAGTT-3'
Protein context (NP_005179.2, residues 891-906): ILREFVSISS[Pro901Leu]AHVAT

ClinVar aggregate classification (germline): Uncertain significance (1 of 4 stars; one submission).

Conditions:
Cardiovascular phenotype. Identifiers: MedGen CN230736.

Submission:

Ambry Genetics
Classification: Uncertain significance for Cardiovascular phenotype. Last evaluated: 2025-06-14. Review status: criteria provided, single submitter. Criteria: Ambry Variant Classification Scheme 2023. Collection method: clinical testing. Allele origin: germline.
Comment: The p.P901L variant (also known as c.2702C>T), located in coding exon 16 of the CBL gene, results from a C to T substitution at nucleotide position 2702. The proline at codon 901 is replaced by leucine, an amino acid with similar properties. This amino acid position is conserved. In addition, the in silico prediction for this alteration is inconclusive. Based on the available evidence, the clinical significance of this variant remains unclear.